The following is an entry in ClinVar:

NM_004333.6(BRAF):c.2128-27_2128-18del

Gene: BRAF (B-Raf proto-oncogene, serine/threonine kinase; minus strand). Cytogenetic location: 7q34.
Variant type: Microsatellite.
Coding change: c.2128-27_2128-18del on transcript NM_004333.6 (MANE Select); 27 bases into the intron before coding-DNA position 2128 through 18 bases into the intron before coding-DNA position 2128, 10 bases deleted (CTTTTTTTTT; older notation c.2128-27_2128-18delCTTTTTTTTT).
Molecular consequence: intron variant.
Genome position (GRCh38, 1-based): chr7:140,734,788-140,734,797, AAAAAAAAAG deleted on the plus strand (CTTTTTTTTT on the coding strand, the reverse complement: BRAF is on the minus strand); deleting any 10 consecutive bases within chr7:140,734,788-140,734,813 gives the same sequence; the c. name uses the placement nearest the transcript's 3' end. VCF-style (leftmost placement, unchanged base first): chr7-140734787-AAAAAAAAAAG-A. GRCh37 (hg19) VCF-style: chr7-140434587-AAAAAAAAAAG-A.
Other names: c.2127+5015_2127+5024del (NM_001378474.1, NM_001378468.1); c.2026-27_2026-18del (NM_001378470.1); c.1864-27_1864-18del (NM_001378475.1); c.2017-27_2017-18del (NM_001378471.1); c.2128-27_2128-18del (NM_001354609.2); c.2248-27_2248-18del (NM_001374258.1, NM_001374244.1); c.2137-27_2137-18del (NM_001378467.1); c.1972-27_1972-18del (NM_001378472.1, NM_001378473.1); and 1 more.
Identifiers: ClinVar variation 929036 (VCV000929036.35), dbSNP rs774138098, ClinGen allele CA4516550.

ClinVar aggregate classification (germline): Benign/Likely benign. Review status: criteria provided, multiple submitters, no conflicts (2 of 4 stars). 5 submissions from 5 submitters: Benign (3); Likely benign (2). Last evaluated 2026-09-01.

Conditions:
RASopathy. Also called: rasopathies; Noonan spectrum disorder. Identifiers: Orphanet 536391, MedGen C5555857, MONDO:0021060.

Submissions (5):

CeGaT Center for Human Genetics Tuebingen
Classification: Benign. Last evaluated: 2026-09-01. Review status: criteria provided, single submitter. Criteria: CeGaT Center For Human Genetics Tuebingen Variant Classification Criteria Version 2. Collection method: clinical testing. Allele origin: germline. Affected: yes. Observed: 32 variant alleles.
Comment: BRAF: BS1, BS2

Labcorp Genetics (formerly Invitae), Labcorp
Classification: Likely benign for RASopathy. Last evaluated: 2026-02-04. Review status: criteria provided, single submitter. Criteria: Invitae Variant Classification Sherloc (09022015). Collection method: clinical testing. Allele origin: germline.

Blueprint Genetics
Classification: Benign. Last evaluated: 2024-11-27. Review status: criteria provided, single submitter. Criteria: ACMG Guidelines, 2015. Collection method: clinical testing. Allele origin: germline.

Women's Health and Genetics/Laboratory Corporation of America, LabCorp
Classification: Benign. Last evaluated: 2019-10-21. Review status: criteria provided, single submitter. Criteria: LabCorp Variant Classification Summary - May 2015. Collection method: clinical testing. Allele origin: germline.
Comment: Variant summary: BRAF c.2128-27_2128-18del10 deletes ten nucleotides located close to a canonical splice site and therefore could affect mRNA splicing. 5/5 computational tools predict no significant impact on normal splicing. However, these predictions have yet to be confirmed by functional studies. The variant allele was found at a frequency of 0.01 in 143638 control chromosomes, predominantly at a frequency of 0.035 within the African or African-American subpopulation in the gnomAD database, including 33 homozygotes. The observed variant frequency within African or African-American control individuals in the gnomAD database is approximately 14000 fold of the estimated maximal expected allele frequency for a pathogenic variant in BRAF causing Noonan Syndrome and Related Conditions phenotype (2.5e-06), strongly suggesting that the variant is a benign polymorphism found primarily in populations of African or African-American origin. To our knowledge, no occurrence of c.2128-27_2128-18del10 in individuals affected with Noonan Syndrome and Related Conditions and no experimental evidence demonstrating its impact on protein function have been reported. No clinical diagnostic laboratories have submitted clinical-significance assessments for this variant to ClinVar after 2014. Based on the evidence outlined above, the variant was classified as benign.

GeneDx
Classification: Likely benign. Last evaluated: 2019-08-11. Review status: criteria provided, single submitter. Criteria: GeneDx Variant Classification Process June 2021. Collection method: clinical testing. Allele origin: germline. Affected: yes.

Literature cited by the submitters: PubMed 24920063 (cited by Women's Health and Genetics/Laboratory Corporation of America, LabCorp).